The following is an entry in ClinVar:

ClinVar aggregate classification (germline): Uncertain significance. Review status: criteria provided, multiple submitters, no conflicts (2 of 4 stars). 2 submissions from 2 submitters: Uncertain significance (2). Last evaluated 2024-02-07.

Conditions:
Donnai-Barrow syndrome. Also called: DBS/FOAR SYNDROME; FACIOOCULOACOUSTICORENAL SYNDROME. Identifiers: Orphanet 2143, MedGen C1857277, MONDO:0009104, OMIM 222448.

Submissions (2):

Fulgent Genetics
Classification: Uncertain significance for Donnai-Barrow syndrome. Last evaluated: 2024-02-07. Review status: criteria provided, single submitter. Criteria: ACMG Guidelines, 2015. Collection method: clinical testing. Allele origin: germline.

Labcorp Genetics (formerly Invitae), Labcorp
Classification: Uncertain significance. Last evaluated: 2020-12-10. Review status: criteria provided, single submitter. Criteria: Invitae Variant Classification Sherloc (09022015). Collection method: clinical testing. Allele origin: germline.
Comment: In summary, the available evidence is currently insufficient to determine the role of this variant in disease. Therefore, it has been classified as a Variant of Uncertain Significance. Advanced modeling of protein sequence and biophysical properties (such as structural, functional, and spatial information, amino acid conservation, physicochemical variation, residue mobility, and thermodynamic stability) performed at Invitae indicates that this missense variant is not expected to disrupt LRP2 protein function. This variant has not been reported in the literature in individuals with LRP2-related conditions. This variant is not present in population databases (ExAC no frequency). This sequence change replaces leucine with isoleucine at codon 1439 of the LRP2 protein (p.Leu1439Ile). The leucine residue is moderately conserved and there is a small physicochemical difference between leucine and isoleucine.

NM_004525.3(LRP2):c.4315C>A (p.Leu1439Ile)

Gene: LRP2 (LDL receptor related protein 2; minus strand). Cytogenetic location: 2q31.1.
Variant type: single nucleotide variant.
Coding change: c.4315C>A on transcript NM_004525.3 (MANE Select); coding-DNA position 4315, C replaced by A.
Protein change: p.Leu1439Ile; replaces leucine 1439 with isoleucine.
Molecular consequence: missense variant.
Genome position (GRCh38, 1-based): chr2:169,238,282, G>T on the plus strand (C>A on the coding strand, the complement: LRP2 is on the minus strand). VCF-style: chr2-169238282-G-T. GRCh37 (hg19) VCF-style: chr2-170094792-G-T.
Other names: short protein forms L1439I.
Identifiers: ClinVar variation 1465079 (VCV001465079.9), dbSNP rs534651187, ClinGen allele CA349145025.
Genomic context (GRCh38, chr2:169,238,282, plus strand): 5'-AGATATTGTGGACCTGGGAGGTGACACTGTCGGCAATAATTTTGTTCTGACTTGCCACAA[G>T]TAACAGCAGACTCTCAGATGCTGTTCAAGAAAAAAATGCAAAAATGTCAATGATACTGGG-3'
Protein context (NP_004516.2, residues 1429-1449): KVTASESLLL[Leu1439Ile]VASQNKIIAD